The following is an entry in ClinVar:

NM_025114.4(CEP290):c.6392A>G (p.Glu2131Gly)

Gene: CEP290 (centrosomal protein 290; minus strand). Cytogenetic location: 12q21.32.
Variant type: single nucleotide variant.
Coding change: c.6392A>G on transcript NM_025114.4 (MANE Select); coding-DNA position 6392, A replaced by G.
Protein change: p.Glu2131Gly; replaces glutamic acid 2131 with glycine.
Molecular consequence: missense variant.
Genome position (GRCh38, 1-based): chr12:88,060,960, T>C on the plus strand (A>G on the coding strand, the complement: CEP290 is on the minus strand). VCF-style: chr12-88060960-T-C. GRCh37 (hg19) VCF-style: chr12-88454737-T-C.
Other names: short protein forms E2131G.
Identifiers: ClinVar variation 461788 (VCV000461788.15), dbSNP rs184323010, ClinGen allele CA6711500.

ClinVar aggregate classification (germline): Conflicting classifications of pathogenicity. Review status: criteria provided, conflicting classifications (1 of 4 stars). 6 submissions from 6 submitters: Uncertain significance (4); Likely benign (1). 1 of the submissions does not count toward it. Last evaluated 2026-06-06.

Conditions:
CEP290-related disorder. Also called: CEP290-related disorders; CEP290-related condition. Identifiers: MedGen CN239314.
Nephronophthisis. Also called: Juvenile Nephronophthisis. Identifiers: Orphanet 655, MedGen C0687120, MONDO:0019005, HP:0000090.
Meckel-Gruber syndrome. Also called: GRUBER SYNDROME; Dysencephalia splachnocystica; DYSENCEPHALIA SPLANCHNOCYSTICA. Identifiers: Orphanet 564, MedGen C0265215, MONDO:0018921.
Joubert syndrome. Also called: JOUBERT-BOLTSHAUSER SYNDROME; Familial aplasia of the vermis. Identifiers: Orphanet 475, MedGen C5979921, MONDO:0018772.
Joubert syndrome 5 (JBTS5). Identifiers: Orphanet 2318, MedGen C1857780, MONDO:0012432, OMIM 610188.
Meckel syndrome, type 4 (MKS4). Also called: MECKEL-GRUBER SYNDROME, TYPE 4. Identifiers: Orphanet 564, MedGen C1970161, MONDO:0012626, OMIM 611134.
Bardet-Biedl syndrome 14 (BBS14). Identifiers: Orphanet 110, MedGen C2673874, MONDO:0014442, OMIM 615991.
Senior-Loken syndrome 6 (SLSN6). Identifiers: Orphanet 3156, MedGen C1857779, MONDO:0012433, OMIM 610189.
Leber congenital amaurosis 10 (LCA10). Identifiers: Orphanet 65, MedGen C1857821, MONDO:0012723, OMIM 611755.
Leber congenital amaurosis (LCA). Also called: Leber's amaurosis. Identifiers: Orphanet 65, MedGen C0339527, MeSH D057130, MONDO:0018998.

Allele frequency attached by ClinVar (database versions not stated): gnomAD exomes 0.00003 and 0.00009; gnomAD 0.00020 and 0.00021; TOPMed 0.00025; ExAC 0.00032; 1000 Genomes Project 0.00080; 1000 Genomes Project 30x 0.00109.
gnomAD v4.1: 68 of 1,562,986 alleles (0.0044%); highest among the groups gnomAD compares: African/African-American, 0.081%; no homozygotes.

Submissions (6):

PreventionGenetics, part of Exact Sciences
Classification: Uncertain significance for CEP290-related condition. Last evaluated: 2026-06-06. Review status: criteria provided, single submitter. Criteria: ACMG Guidelines, 2015. Collection method: clinical testing. Allele origin: germline.
Comment: The CEP290 c.6392A>G variant is predicted to result in the amino acid substitution p.Glu2131Gly. To our knowledge, this variant has not been reported in the literature. This variant is reported in 0.095% of alleles in individuals of African descent in gnomAD, which may be too common to be an undocumented pathogenic variant. Although we suspect that this variant may be benign, at this time, the clinical significance of this variant is uncertain due to the absence of conclusive functional and genetic evidence.

Labcorp Genetics (formerly Invitae), Labcorp
Classification: Likely benign for Joubert syndrome; Meckel-Gruber syndrome; Nephronophthisis. Last evaluated: 2026-01-25. Review status: criteria provided, single submitter. Criteria: Invitae Variant Classification Sherloc (09022015). Collection method: clinical testing. Allele origin: germline.

Blueprint Genetics
Classification: Uncertain significance. Last evaluated: 2023-10-26. Review status: criteria provided, single submitter. Criteria: ACMG Guidelines, 2015. Collection method: clinical testing. Allele origin: germline.

GeneDx
Classification: Uncertain significance. Last evaluated: 2022-06-14. Review status: criteria provided, single submitter. Criteria: GeneDx Variant Classification Process June 2021. Collection method: clinical testing. Allele origin: germline. Affected: yes.
Comment: In silico analysis supports that this missense variant has a deleterious effect on protein structure/function; Has not been previously published as pathogenic or benign to our knowledge

Fulgent Genetics
Classification: Uncertain significance for Joubert syndrome 5; Senior-Loken syndrome 6; Meckel syndrome, type 4; Leber congenital amaurosis 10; Bardet-Biedl syndrome 14. Last evaluated: 2022-03-15. Review status: criteria provided, single submitter. Criteria: ACMG Guidelines, 2015. Collection method: clinical testing. Allele origin: unknown.

Natera, Inc.
Classification: Uncertain significance for Leber congenital amaurosis. Last evaluated: 2020-06-14. Review status: no assertion criteria provided. Collection method: clinical testing. Allele origin: germline. Not counted in ClinVar's aggregate classification.